The following is an entry in ClinVar:

ClinVar aggregate classification (germline): Uncertain significance (1 of 4 stars; one submission).

Conditions:
Dilated cardiomyopathy 1G (CMD1G). Identifiers: Orphanet 154, MedGen C1858763, MONDO:0011400, OMIM 604145.
Autosomal recessive limb-girdle muscular dystrophy type 2J (LGMDR10). Also called: Limb-girdle muscular dystrophy, type 2J; MUSCULAR DYSTROPHY, LIMB-GIRDLE, AUTOSOMAL RECESSIVE 10. Identifiers: Orphanet 140922, MedGen C1837342, MONDO:0012127, OMIM 608807.

Submission:

Labcorp Genetics (formerly Invitae), Labcorp
Classification: Uncertain significance for Dilated cardiomyopathy 1G; Autosomal recessive limb-girdle muscular dystrophy type 2J. Last evaluated: 2024-05-10. Review status: criteria provided, single submitter. Criteria: Invitae Variant Classification Sherloc (09022015). Collection method: clinical testing. Allele origin: germline.
Comment: This sequence change replaces alanine, which is neutral and non-polar, with proline, which is neutral and non-polar, at codon 34131 of the TTN protein (p.Ala34131Pro). This variant is not present in population databases (gnomAD no frequency). This variant has not been reported in the literature in individuals affected with TTN-related conditions. Experimental studies and prediction algorithms are not available or were not evaluated, and the functional significance of this variant is currently unknown. This variant is located in the M band of TTN (PMID: 25589632). Non-truncating variants in this region may be relevant for neuromuscular disorders, but have not been definitively shown to cause cardiomyopathy (PMID: 23975875). In summary, the available evidence is currently insufficient to determine the role of this variant in disease. Therefore, it has been classified as a Variant of Uncertain Significance.

Literature cited by the submitters: PubMed 25589632; PubMed 23975875.

NM_001267550.2(TTN):c.102391G>C (p.Ala34131Pro)

Genes: TTN (titin; minus strand), TTN-AS1 (TTN antisense RNA 1; plus strand). Cytogenetic location: 2q31.2.
Variant type: single nucleotide variant.
Coding change: c.102391G>C on transcript NM_001267550.2 (MANE Select); coding-DNA position 102391, G replaced by C.
Protein change: p.Ala34131Pro; replaces alanine 34131 with proline.
Molecular consequence: missense variant.
Genome position (GRCh38, 1-based): chr2:178,534,224, C>G on the plus strand (G>C on the coding strand, the complement: TTN is on the minus strand). VCF-style: chr2-178534224-C-G. GRCh37 (hg19) VCF-style: chr2-179398951-C-G.
Other names: c.75571G>C, p.Ala25191Pro (NM_133432.3); c.75772G>C, p.Ala25258Pro (NM_133437.4); c.75196G>C, p.Ala25066Pro (NM_003319.4); c.94687G>C, p.Ala31563Pro (NM_133378.4); c.97468G>C, p.Ala32490Pro (NM_001256850.1); short protein forms A25066P, A25191P, A25258P, A31563P, A32490P, A34131P.
Identifiers: ClinVar variation 3756288 (VCV003756288.2).